The following is an entry in ClinVar:

ClinVar aggregate classification (germline): Uncertain significance (1 of 4 stars; one submission).

Allele frequency attached by ClinVar (database versions not stated): gnomAD 0.00001; 1000 Genomes Project 30x 0.00016.

Submission:

Centre of Medical Genetics, University Hospital Muenster
Classification: Uncertain significance. Last evaluated: 2021-12-15. Review status: criteria provided, single submitter. Criteria: ACMG Guidelines, 2015. Collection method: clinical testing. Allele origin: unknown. Affected: yes. Observed: 1 variant allele, 1 heterozygote.
Comment: ACMG categories: PM2,PP3

NM_015559.3(SETBP1):c.4776C>A (p.Ser1592Arg)

Gene: SETBP1 (SET binding protein 1; plus strand). Cytogenetic location: 18q12.3.
Variant type: single nucleotide variant.
Coding change: c.4776C>A on transcript NM_015559.3 (MANE Select); coding-DNA position 4776, C replaced by A.
Protein change: p.Ser1592Arg; replaces serine 1592 with arginine.
Molecular consequence: missense variant.
Genome position (GRCh38, 1-based): chr18:45,063,683, C>A. VCF-style: chr18-45063683-C-A. GRCh37 (hg19) VCF-style: chr18-42643648-C-A.
Other names: c.4776C>A, p.Ser1592Arg (NM_001379141.1, NM_001379142.1); c.4605C>A, p.Ser1535Arg (NM_001410862.1); short protein forms S1535R, S1592R.
Identifiers: ClinVar variation 1708293 (VCV001708293.2), dbSNP rs775135172, ClinGen allele CA8946179.